The following is an entry in ClinVar:

ClinVar aggregate classification (germline): Pathogenic/Likely pathogenic. Review status: criteria provided, multiple submitters, no conflicts (2 of 4 stars). 4 submissions from 4 submitters: Pathogenic (2); Likely pathogenic (2). Last evaluated 2026-01-24.

Conditions:
Hepatoencephalopathy due to combined oxidative phosphorylation defect type 1. Also called: HEPATOENCEPHALOPATHY, EARLY FATAL PROGRESSIVE. Identifiers: Orphanet 137681, MedGen C1836797, MONDO:0012191, OMIM 609060.

Submissions (4):

Labcorp Genetics (formerly Invitae), Labcorp
Classification: Pathogenic. Last evaluated: 2026-01-24. Review status: criteria provided, single submitter. Criteria: Invitae Variant Classification Sherloc (09022015). Collection method: clinical testing. Allele origin: germline.
Comment: This sequence change creates a premature translational stop signal (p.Met92Trpfs*3) in the GFM1 gene. It is expected to result in an absent or disrupted protein product. Loss-of-function variants in GFM1 are known to be pathogenic (PMID: 16632485, 17160893). This variant is present in population databases (no rsID available, gnomAD 0.007%). This variant has not been reported in the literature in individuals affected with GFM1-related conditions. ClinVar contains an entry for this variant (Variation ID: 214496). Algorithms developed to predict the effect of sequence changes on RNA splicing suggest that this variant may disrupt the consensus splice site. For these reasons, this variant has been classified as Pathogenic.

Natera, Inc.
Classification: Likely pathogenic for Combined oxidative phosphorylation deficiency 1. Last evaluated: 2024-10-30. Review status: criteria provided, single submitter. Criteria: Natera Variant Classification Schema (03/2026). Collection method: clinical testing. Allele origin: germline.
Comment: The c.273delC variant in GFM1 is a frameshift variant predicted to shift the reading frame beginning at codon 92 and leads to a stop codon 3 codons downstream. This variant is expected to result in nonsense mediated decay, truncation, or a dysfunctional protein product. This variant is rare in the general population with a frequency below the threshold expected for the associated phenotype(s). Given the available evidence, this variant is classified as Likely Pathogenic.

Fulgent Genetics
Classification: Likely pathogenic for Hepatoencephalopathy due to combined oxidative phosphorylation defect type 1. Last evaluated: 2021-08-04. Review status: criteria provided, single submitter. Criteria: ACMG Guidelines, 2015. Collection method: clinical testing. Allele origin: unknown.

GeneDx
Classification: Pathogenic. Last evaluated: 2013-03-15. Review status: criteria provided, single submitter. Criteria: GeneDx Variant Classification (06012015). Collection method: clinical testing. Allele origin: germline. Affected: yes.
Comment: c.273delC: p.Met92TrpfsX3 (M92WfsX3) in exon 3 of the GFM1 gene (NM_024996.5). The c.273delC mutation in the GFM1 gene causes a frameshift starting with codon Methionine 92, changes this amino acid to a Tryptophan residue and creates a premature Stop codon at position 3 of the new reading frame, denoted p.Met92TrpfsX3. This mutation is predicted to cause loss of normal protein function either through protein truncation or nonsense-mediated mRNA decay. Although this mutation has not been previously reported to our knowledge, it is expected to be a pathogenic mutation. The variant is found in MITONUC-MITOP panel(s).

Literature cited by the submitters: PubMed 16632485 (cited by Labcorp Genetics (formerly Invitae), Labcorp); PubMed 17160893 (cited by Labcorp Genetics (formerly Invitae), Labcorp).

NM_024996.7(GFM1):c.273del (p.Met92fs)

Gene: GFM1 (G elongation factor mitochondrial 1; plus strand). Cytogenetic location: 3q25.32.
Variant type: Deletion.
Coding change: c.273del on transcript NM_024996.7 (MANE Select); coding-DNA position 273, one base deleted (C; older notation c.273delC).
Protein change: p.Met92fs; shifts the reading frame from methionine 92.
Molecular consequence: frameshift variant. On other transcripts: non-coding transcript variant (3), intron variant (4).
Genome position (GRCh38, 1-based): chr3:158,646,203, C deleted; the last of 2 consecutive C bases (chr3:158,646,202-158,646,203); deleting either gives the same sequence. VCF-style (leftmost placement, unchanged base first): chr3-158646201-TC-T. GRCh37 (hg19) VCF-style: chr3-158363990-TC-T.
Other names: c.273delC (NM_024996.5); c.273del, p.Met92fs (NM_001308164.2, NM_001308166.2, NM_001374355.1 and 1 more transcripts); c.48del, p.Met17fs (NM_001374357.1); c.5+422del (NM_001374359.1, NM_001374360.1, NM_001374361.1); c.234+422del (NM_001374358.1); short protein forms M92fs, M17fs.
Identifiers: ClinVar variation 214496 (VCV000214496.10), dbSNP rs863224033, ClinGen allele CA325026.